The following is an entry in ClinVar:

ClinVar aggregate classification (germline): Uncertain significance (1 of 4 stars; one submission).

Submission:

GeneDx
Classification: Uncertain significance. Last evaluated: 2022-10-31. Review status: criteria provided, single submitter. Criteria: GeneDx Variant Classification Process June 2021. Collection method: clinical testing. Allele origin: germline. Affected: yes.
Comment: Not observed at significant frequency in large population cohorts (gnomAD); In silico analysis suggests that this missense variant does not alter protein structure/function, but splice predictors indicate that the variant may lead to abnormal gene splicing; Has not been previously published as pathogenic or benign to our knowledge

NM_198578.4(LRRK2):c.6770G>A (p.Ser2257Asn)

Gene: LRRK2 (leucine rich repeat kinase 2; plus strand). Cytogenetic location: 12q12.
Variant type: single nucleotide variant.
Coding change: c.6770G>A on transcript NM_198578.4 (MANE Select); coding-DNA position 6770, G replaced by A.
Protein change: p.Ser2257Asn; replaces serine 2257 with asparagine.
Molecular consequence: missense variant.
Genome position (GRCh38, 1-based): chr12:40,354,492, G>A. VCF-style: chr12-40354492-G-A. GRCh37 (hg19) VCF-style: chr12-40748294-G-A.
Other names: short protein forms S2257N.
Identifiers: ClinVar variation 2500563 (VCV002500563.1), dbSNP rs1230230513, ClinGen allele CA384409690.